The following is an entry in ClinVar:

ClinVar aggregate classification (germline): Uncertain significance (1 of 4 stars; one submission).

Allele frequency attached by ClinVar (database versions not stated): gnomAD exomes 0.00001; ExAC 0.00003.
gnomAD v4.1: 12 of 1,574,884 alleles (0.00076%); highest among the groups gnomAD compares: East Asian, 0.0023%; no homozygotes.

Submission:

GeneDx
Classification: Uncertain significance. Last evaluated: 2022-11-18. Review status: criteria provided, single submitter. Criteria: GeneDx Variant Classification Process June 2021. Collection method: clinical testing. Allele origin: germline. Affected: yes.
Comment: Nonsense variant predicted to result in protein truncation or nonsense mediated decay in a gene for which loss of function is a known mechanism of disease; Has not been previously published as pathogenic or benign to our knowledge

NM_002941.4(ROBO1):c.1372C>T (p.Arg458Ter)

Gene: ROBO1 (roundabout guidance receptor 1; minus strand). Cytogenetic location: 3p12.3.
Variant type: single nucleotide variant.
Coding change: c.1372C>T on transcript NM_002941.4 (MANE Select); coding-DNA position 1372, C replaced by T.
Protein change: p.Arg458Ter; replaces arginine 458 with a stop codon.
Molecular consequence: nonsense.
Genome position (GRCh38, 1-based): chr3:78,670,272, G>A on the plus strand (C>T on the coding strand, the complement: ROBO1 is on the minus strand). VCF-style: chr3-78670272-G-A. GRCh37 (hg19) VCF-style: chr3-78719422-G-A.
Other names: c.1264C>T, p.Arg422Ter (NM_001145844.1, NM_001145845.2, NM_133631.4); short protein forms R422*, R458*.
Identifiers: ClinVar variation 2502615 (VCV002502615.1), dbSNP rs763061726, ClinGen allele CA2498973.
Genomic context (GRCh38, chr3:78,670,272, plus strand): 5'-CCACACAGCTGAGGACGAAAGTGCCATCCACGGCTACAGTCTGATTCACAGGACCTTGTC[G>A]AATAACTGGGGGAGGCCGATCTGCAATCACTGCCAGAAGAAACAACAGGAAATAGATTTC-3'